The following is an entry in ClinVar:

NM_004629.2(FANCG):c.316A>G (p.Thr106Ala)

Gene: FANCG (FA complementation group G; minus strand). Cytogenetic location: 9p13.3.
Variant type: single nucleotide variant.
Coding change: c.316A>G on transcript NM_004629.2 (MANE Select); coding-DNA position 316, A replaced by G.
Protein change: p.Thr106Ala; replaces threonine 106 with alanine.
Molecular consequence: missense variant.
Genome position (GRCh38, 1-based): chr9:35,078,335, T>C on the plus strand (A>G on the coding strand, the complement: FANCG is on the minus strand). VCF-style: chr9-35078335-T-C. GRCh37 (hg19) VCF-style: chr9-35078332-T-C.
Other names: short protein forms T106A.
Identifiers: ClinVar variation 3848447 (VCV003848447.1).

ClinVar aggregate classification (germline): Uncertain significance (1 of 4 stars; one submission).

Conditions:
Inborn genetic diseases. Identifiers: MedGen C0950123, MeSH D030342.

gnomAD v4.1: 2 of 1,613,168 alleles (0.00012%); highest among the groups gnomAD compares: Non-Finnish European, 0.00017%; no homozygotes.

Submission:

Ambry Genetics
Classification: Uncertain significance for Inborn genetic diseases. Last evaluated: 2025-02-17. Review status: criteria provided, single submitter. Criteria: Ambry Variant Classification Scheme 2023. Collection method: clinical testing. Allele origin: germline.
Comment: The p.T106A variant (also known as c.316A>G), located in coding exon 4 of the FANCG gene, results from an A to G substitution at nucleotide position 316. The threonine at codon 106 is replaced by alanine, an amino acid with similar properties. This amino acid position is conserved. In addition, this alteration is predicted to be tolerated by in silico analysis. Based on the available evidence, the clinical significance of this variant remains unclear.